The following is an entry in ClinVar:

NM_002432.3(MNDA):c.1080G>C (p.Lys360Asn)

Gene: MNDA (myeloid cell nuclear differentiation antigen; plus strand). Cytogenetic location: 1q23.1.
Variant type: single nucleotide variant.
Coding change: c.1080G>C on transcript NM_002432.3 (MANE Select); coding-DNA position 1080, G replaced by C.
Protein change: p.Lys360Asn; replaces lysine 360 with asparagine.
Molecular consequence: missense variant.
Genome position (GRCh38, 1-based): chr1:158,847,820, G>C. VCF-style: chr1-158847820-G-C. GRCh37 (hg19) VCF-style: chr1-158817610-G-C.
Other names: short protein forms K360N.
Identifiers: ClinVar variation 1786395 (VCV001786395.2), dbSNP rs767066193, ClinGen allele CA343044279.

ClinVar aggregate classification (germline): Uncertain significance (1 of 4 stars; one submission).

Submission:

Ambry Genetics
Classification: Uncertain significance. Last evaluated: 2022-07-11. Review status: criteria provided, single submitter. Criteria: Ambry Variant Classification Scheme 2023. Collection method: clinical testing. Allele origin: germline.
Comment: The p.K360N variant (also known as c.1080G>C), located in coding exon 5 of the MNDA gene, results from a G to C substitution at nucleotide position 1080. The lysine at codon 360 is replaced by asparagine, an amino acid with similar properties. This amino acid position is conserved. In addition, this alteration is predicted to be tolerated by in silico analysis. Since supporting evidence is limited at this time, the clinical significance of this alteration remains unclear.